The following is an entry in ClinVar:

NM_001355436.2(SPTB):c.5726T>C (p.Phe1909Ser)

Gene: SPTB (spectrin beta, erythrocytic; minus strand). Cytogenetic location: 14q23.3.
Variant type: single nucleotide variant.
Coding change: c.5726T>C on transcript NM_001355436.2 (MANE Select); coding-DNA position 5726, T replaced by C.
Protein change: p.Phe1909Ser; replaces phenylalanine 1909 with serine.
Molecular consequence: missense variant.
Genome position (GRCh38, 1-based): chr14:64,770,957, A>G on the plus strand (T>C on the coding strand, the complement: SPTB is on the minus strand). VCF-style: chr14-64770957-A-G. GRCh37 (hg19) VCF-style: chr14-65237675-A-G.
Other names: NM_000347.5:c.5726T>C; c.5726T>C, p.Phe1909Ser (NM_001024858.4, NM_001355437.2); short protein forms F1909S.
Identifiers: ClinVar variation 1330463 (VCV001330463.10), dbSNP rs576500528, ClinGen allele CA7229878.

ClinVar aggregate classification (germline): Uncertain significance. Review status: criteria provided, multiple submitters, no conflicts (2 of 4 stars). 3 submissions from 3 submitters: Uncertain significance (3). Last evaluated 2024-12-18.

Conditions:
Inborn genetic diseases. Identifiers: MedGen C0950123, MeSH D030342.

Allele frequency attached by ClinVar (database versions not stated): gnomAD exomes 0.00003 and 0.00016; 1000 Genomes Project 0.00100; gnomAD 0.00006 and 0.00008; 1000 Genomes Project 30x 0.00094; ExAC 0.00015; TOPMed 0.00006.
gnomAD v4.1: 55 of 1,614,074 alleles (0.0034%); highest among the groups gnomAD compares: East Asian, 0.11%; no homozygotes.

Submissions (3):

Revvity Omics, Revvity
Classification: Uncertain significance. Last evaluated: 2024-12-18. Review status: criteria provided, single submitter. Criteria: ACMG Guidelines, 2015. Collection method: clinical testing. Allele origin: germline.

ARUP Laboratories, Molecular Genetics and Genomics, ARUP Laboratories
Classification: Uncertain significance. Last evaluated: 2024-11-08. Review status: criteria provided, single submitter. Criteria: ARUP Molecular Germline Variant Investigation Process 2024. Collection method: clinical testing. Allele origin: germline.
Comment: The SPTB c.5726T>C; p.Phe1909Ser variant (rs576500528), to our knowledge, is not reported in the medical literature but is reported in ClinVar (Variation ID: 1330463). This variant is found in the East Asian population with an allele frequency of 0.2% (42/19,944 alleles) in the Genome Aggregation Database (v2.1.1). Computational analyses predict that this variant is deleterious (REVEL: 0.732). Due to limited information, the clinical significance of this variant is uncertain at this time.

Ambry Genetics
Classification: Uncertain significance for Inborn genetic diseases. Last evaluated: 2023-11-09. Review status: criteria provided, single submitter. Criteria: Ambry Variant Classification Scheme 2023. Collection method: clinical testing. Allele origin: germline.